The following is an entry in ClinVar:

ClinVar aggregate classification (germline): Pathogenic. Review status: criteria provided, multiple submitters, no conflicts (2 of 4 stars). 3 submissions from 3 submitters: Pathogenic (2). 1 of the submissions does not count toward it. Last evaluated 2025-05-07.

Conditions:
Familial thoracic aortic aneurysm and aortic dissection (TAAD). Also called: Thoracic aortic aneurysms and dissections. Identifiers: Orphanet 91387, MedGen C4707243, MONDO:0019625.
Marfan syndrome (MFS). Also called: Marfan syndrome type 1; Marfan syndrome, classic; Marfan's syndrome; FBN1-Related Marfan Syndrome; MARFAN SYNDROME, TYPE I. Identifiers: Orphanet 284963, Orphanet 558, MedGen C0024796, MONDO:0007947, OMIM 154700.

Submissions (3):

Labcorp Genetics (formerly Invitae), Labcorp
Classification: Pathogenic for Marfan syndrome; Familial thoracic aortic aneurysm and aortic dissection. Last evaluated: 2025-05-07. Review status: criteria provided, single submitter. Criteria: Invitae Variant Classification Sherloc (09022015). Collection method: clinical testing. Allele origin: germline.
Comment: This sequence change creates a premature translational stop signal (p.Cys221*) in the FBN1 gene. It is expected to result in an absent or disrupted protein product. Loss-of-function variants in FBN1 are known to be pathogenic (PMID: 17657824, 19293843). This variant is not present in population databases (gnomAD no frequency). This premature translational stop signal has been observed in individual(s) with FBN1-related disease (PMID: 25652356). ClinVar contains an entry for this variant (Variation ID: 549352). For these reasons, this variant has been classified as Pathogenic.

Ambry Genetics
Classification: Pathogenic for Familial thoracic aortic aneurysm and aortic dissection. Last evaluated: 2024-07-02. Review status: criteria provided, single submitter. Criteria: Ambry Variant Classification Scheme 2023. Collection method: clinical testing. Allele origin: germline.
Comment: The c.660_661delCT (p.C221*) alteration, located in exon 7 (coding exon 6) of the FBN1 gene, consists of a deletion of 2 nucleotides from position 660 to 661, causing a translational frameshift with a predicted alternate stop codon after amino acids. This alteration is expected to result in loss of function by premature protein truncation or nonsense-mediated mRNA decay. This variant was not reported in population-based cohorts in the Genome Aggregation Database (gnomAD). This variant has been reported in one individual in a cohort of individuals with a suspected or confirmed diagnosis of Marfan syndrome, but clinical details were limited (Baudhuin, 2015). Based on the available evidence, this alteration is classified as pathogenic.

Center for Medical Genetics Ghent, University of Ghent
Classification: Pathogenic for Marfan syndrome. Last evaluated: 2017-11-07. Review status: no assertion criteria provided. Collection method: clinical testing. Allele origin: germline. Affected: yes. Not counted in ClinVar's aggregate classification.

Literature cited by the submitters: PubMed 17657824 (cited by Labcorp Genetics (formerly Invitae), Labcorp); PubMed 19293843 (cited by Labcorp Genetics (formerly Invitae), Labcorp); PubMed 25652356 (cited by Labcorp Genetics (formerly Invitae), Labcorp and Ambry Genetics).

NM_000138.5(FBN1):c.660_661del (p.Pro220_Cys221insTer)

Gene: FBN1 (fibrillin 1; minus strand). Cytogenetic location: 15q21.1.
Variant type: Deletion.
Coding change: c.660_661del on transcript NM_000138.5 (MANE Select); coding-DNA positions 660 to 661, 2 bases deleted (CT; older notation c.660_661delCT).
Protein change: p.Pro220_Cys221insTer.
Molecular consequence: frameshift variant.
Genome position (GRCh38, 1-based): chr15:48,537,686-48,537,687, AG deleted on the plus strand (CT on the coding strand, the reverse complement: FBN1 is on the minus strand). VCF-style (leftmost placement, unchanged base first): chr15-48537685-CAG-C. GRCh37 (hg19) VCF-style: chr15-48829882-CAG-C.
Other names: c.660_661delCT (NM_000138.4).
Identifiers: ClinVar variation 549352 (VCV000549352.9), dbSNP rs1555401679, ClinGen allele CA658824885.